The following is an entry in ClinVar:

ClinVar aggregate classification (germline): Uncertain significance (1 of 4 stars; one submission).

Conditions:
Aicardi-Goutieres syndrome 4. Identifiers: Orphanet 51, MedGen C1835912, MONDO:0012472, OMIM 610333.

gnomAD v4.1: 13 of 1,613,906 alleles (0.00081%); highest among the groups gnomAD compares: Admixed American, 0.0017%; 1 homozygote.

Submission:

Labcorp Genetics (formerly Invitae), Labcorp
Classification: Uncertain significance for Aicardi-Goutieres syndrome 4. Last evaluated: 2024-10-15. Review status: criteria provided, single submitter. Criteria: Invitae Variant Classification Sherloc (09022015). Collection method: clinical testing. Allele origin: germline.
Comment: This sequence change replaces phenylalanine, which is neutral and non-polar, with leucine, which is neutral and non-polar, at codon 139 of the RNASEH2A protein (p.Phe139Leu). This variant is present in population databases (no rsID available, gnomAD 0.003%). This variant has not been reported in the literature in individuals affected with RNASEH2A-related conditions. ClinVar contains an entry for this variant (Variation ID: 1364735). Invitae Evidence Modeling of protein sequence and biophysical properties (such as structural, functional, and spatial information, amino acid conservation, physicochemical variation, residue mobility, and thermodynamic stability) indicates that this missense variant is not expected to disrupt RNASEH2A protein function with a negative predictive value of 80%. In summary, the available evidence is currently insufficient to determine the role of this variant in disease. Therefore, it has been classified as a Variant of Uncertain Significance.

NM_006397.3(RNASEH2A):c.417C>A (p.Phe139Leu)

Gene: RNASEH2A (ribonuclease H2 subunit A; plus strand). Cytogenetic location: 19p13.13.
Variant type: single nucleotide variant.
Coding change: c.417C>A on transcript NM_006397.3 (MANE Select); coding-DNA position 417, C replaced by A.
Protein change: p.Phe139Leu; replaces phenylalanine 139 with leucine.
Molecular consequence: missense variant.
Genome position (GRCh38, 1-based): chr19:12,810,076, C>A. VCF-style: chr19-12810076-C-A. GRCh37 (hg19) VCF-style: chr19-12920890-C-A.
Other names: short protein forms F139L.
Identifiers: ClinVar variation 1364735 (VCV001364735.4), dbSNP rs201413125, ClinGen allele CA305493109.
Genomic context (GRCh38, chr19:12,810,076, plus strand): 5'-CTAGAGCATTGGTACAGTTGTTTGTTCAATTAATATGTGTCTGTTGCTGTGGCAGGTATT[C>A]GTGGACACCGTAGGGATGCCAGAGACATACCAGGCGCGGCTGCAGCAAAGTTTTCCCGGG-3'
Protein context (NP_006388.2, residues 129-149): LDQGVNVTQV[Phe139Leu]VDTVGMPETY